The following is an entry in ClinVar:

ClinVar aggregate classification (germline): Likely pathogenic (1 of 4 stars; one submission).

Conditions:
Pituitary hormone deficiency, combined, 2. Also called: PROP1-Related Combined Pituitary Hormone Deficiency; ATELIOTIC DWARFISM WITH HYPOGONADISM; HANHART DWARFISM; PITUITARY DWARFISM III. Identifiers: MedGen C0878683, MONDO:0009878, OMIM 262600.

Submission:

Natera, Inc.
Classification: Likely pathogenic for Combined pituitary hormone deficiency type 2. Last evaluated: 2024-07-08. Review status: criteria provided, single submitter. Criteria: Natera Variant Classification Schema (03/2026). Collection method: clinical testing. Allele origin: germline.
Comment: The c.68dup variant in PROP1 is a frameshift variant predicted to shift the reading frame and introduce a stop codon. This variant is expected to result in nonsense mediated decay, truncation, or a dysfunctional protein product. This variant is rare in the general population with a frequency below the threshold expected for the associated phenotype(s). Given the available evidence, this variant is classified as Likely Pathogenic.

NM_006261.5(PROP1):c.68dup (p.Pro23_Glu24insTer)

Gene: PROP1 (PROP paired-like homeobox 1; minus strand). Cytogenetic location: 5q35.3.
Variant type: Duplication.
Coding change: c.68dup on transcript NM_006261.5 (MANE Select); coding-DNA position 68, one base duplicated (C; older notation c.68dupC).
Protein change: p.Pro23_Glu24insTer.
Molecular consequence: frameshift variant.
Genome position (GRCh38, 1-based): chr5:177,995,866, G duplicated on the plus strand (C on the coding strand, the reverse complement: PROP1 is on the minus strand); the first of 2 consecutive G bases (chr5:177,995,866-177,995,867); duplicating either gives the same sequence. VCF-style (leftmost placement, unchanged base first): chr5-177995865-A-AG. GRCh37 (hg19) VCF-style: chr5-177422866-A-AG.
Identifiers: ClinVar variation 4815504 (VCV004815504.1).